The following is an entry in ClinVar:

ClinVar aggregate classification (germline): Uncertain significance (1 of 4 stars; one submission).

Allele frequency attached by ClinVar (database versions not stated): TOPMed 0.00002; gnomAD 0.00003.

Submission:

Labcorp Genetics (formerly Invitae), Labcorp
Classification: Uncertain significance. Last evaluated: 2023-01-15. Review status: criteria provided, single submitter. Criteria: Invitae Variant Classification Sherloc (09022015). Collection method: clinical testing. Allele origin: germline.
Comment: In summary, the available evidence is currently insufficient to determine the role of this variant in disease. Therefore, it has been classified as a Variant of Uncertain Significance. Advanced modeling of protein sequence and biophysical properties (such as structural, functional, and spatial information, amino acid conservation, physicochemical variation, residue mobility, and thermodynamic stability) performed at Invitae indicates that this missense variant is not expected to disrupt GRIN2D protein function. This variant has not been reported in the literature in individuals affected with GRIN2D-related conditions. The frequency data for this variant in the population databases is considered unreliable, as metrics indicate insufficient coverage at this position in the gnomAD database. This sequence change replaces valine, which is neutral and non-polar, with methionine, which is neutral and non-polar, at codon 933 of the GRIN2D protein (p.Val933Met).

NM_000836.4(GRIN2D):c.2797G>A (p.Val933Met)

Gene: GRIN2D (glutamate ionotropic receptor NMDA type subunit 2D; plus strand). Cytogenetic location: 19q13.33.
Variant type: single nucleotide variant.
Coding change: c.2797G>A on transcript NM_000836.4 (MANE Select); coding-DNA position 2797, G replaced by A.
Protein change: p.Val933Met; replaces valine 933 with methionine.
Molecular consequence: missense variant.
Genome position (GRCh38, 1-based): chr19:48,442,723, G>A. VCF-style: chr19-48442723-G-A. GRCh37 (hg19) VCF-style: chr19-48945980-G-A.
Other names: short protein forms V933M.
Identifiers: ClinVar variation 2782498 (VCV002782498.3), dbSNP rs1177940200, ClinGen allele CA406673717.